The following is an entry in ClinVar:

NM_001394531.1(WDFY4):c.7377G>A (p.Ser2459=)

Gene: WDFY4 (WDFY family member 4; plus strand). Cytogenetic location: 10q11.23.
Variant type: single nucleotide variant.
Coding change: c.7377G>A on transcript NM_001394531.1 (MANE Select); coding-DNA position 7377, G replaced by A.
Protein change: p.Ser2459=; no amino-acid change (serine 2459 retained).
Molecular consequence: synonymous variant.
Genome position (GRCh38, 1-based): chr10:48,897,514, G>A. VCF-style: chr10-48897514-G-A. GRCh37 (hg19) VCF-style: chr10-50105559-G-A.
Other names: c.7377G>A, p.Ser2459= (NM_020945.2).
Identifiers: ClinVar variation 2602920 (VCV002602920.26), dbSNP rs574954675, ClinGen allele CA5492687.
Genomic context (GRCh38, chr10:48,897,514, plus strand): 5'-CATCAGCGATCCGTTCATTTTCAACCTGTGCAGCAAAGACAGGTCCACTGACCATTACTC[G>A]TGCCAGTGCCACAGCTACGCTGACATGCGGGAGCTACGGCAGGCTCGCTTCCTCCTGCAG-3'
Protein context (NP_001381460.1, residues 2449-2469): CSKDRSTDHY[Ser2459=]CQCHSYADMR

ClinVar aggregate classification (germline): Likely benign. Review status: criteria provided, multiple submitters, no conflicts (2 of 4 stars). 2 submissions from 2 submitters: Likely benign (2). Last evaluated 2025-06-01.

Allele frequency attached by ClinVar (database versions not stated): 1000 Genomes Project 30x 0.00016; 1000 Genomes Project 0.00020; TOPMed 0.00056; ExAC 0.00059; gnomAD 0.00059; gnomAD exomes 0.00102.
gnomAD v4.1: 1,514 of 1,551,346 alleles (0.098%); highest among the groups gnomAD compares: Non-Finnish European, 0.12%; 2 homozygotes.

Submissions (2):

CeGaT Center for Human Genetics Tuebingen
Classification: Likely benign. Last evaluated: 2025-06-01. Review status: criteria provided, single submitter. Criteria: CeGaT Center For Human Genetics Tuebingen Variant Classification Criteria Version 2. Collection method: clinical testing. Allele origin: germline. Affected: yes. Observed: 2 variant alleles.
Comment: WDFY4: BP4, BP7

Ambry Genetics
Classification: Likely benign. Last evaluated: 2023-08-08. Review status: criteria provided, single submitter. Criteria: Ambry Variant Classification Scheme 2023. Collection method: clinical testing. Allele origin: germline.